The following is an entry in ClinVar:

NM_152443.3(RDH12):c.343+1G>A

Genes: RDH12 (retinol dehydrogenase 12; plus strand), GPHN (gephyrin; plus strand). Cytogenetic location: 14q24.1.
Variant type: single nucleotide variant.
Coding change: c.343+1G>A on transcript NM_152443.3 (MANE Select); the canonical splice donor site of the intron after coding-DNA position 343, G replaced by A.
Molecular consequence: splice donor variant.
Genome position (GRCh38, 1-based): chr14:67,725,255, G>A. VCF-style: chr14-67725255-G-A. GRCh37 (hg19) VCF-style: chr14-68191972-G-A.
Identifiers: ClinVar variation 2910355 (VCV002910355.3), dbSNP rs2503799127, ClinGen allele CA390148965.

ClinVar aggregate classification (germline): Pathogenic (1 of 4 stars; one submission).

Conditions:
Leber congenital amaurosis 13 (LCA13). Identifiers: MedGen C2675186, MONDO:0012990, OMIM 612712.

Submission:

Labcorp Genetics (formerly Invitae), Labcorp
Classification: Pathogenic for Leber congenital amaurosis 13. Last evaluated: 2025-05-21. Review status: criteria provided, single submitter. Criteria: Invitae Variant Classification Sherloc (09022015). Collection method: clinical testing. Allele origin: germline.
Comment: This sequence change affects a donor splice site in intron 5 of the RDH12 gene. RNA analysis indicates that disruption of this splice site induces altered splicing and likely results in the gain of 5 amino acid residue(s), but is expected to preserve the integrity of the reading-frame. This variant is not present in population databases (gnomAD no frequency). Disruption of this splice site has been observed in individuals with autosomal recessive retinal dystrophy (PMID: 30134391, 33970760, 34567070, 35006499). It has also been observed to segregate with disease in related individuals. ClinVar contains an entry for this variant (Variation ID: 2910355). Studies have shown that disruption of this splice site results in the activation of a cryptic splice site in intron 5 (PMID: 34567070). For these reasons, this variant has been classified as Pathogenic.

Literature cited by the submitters: PubMed 30134391; PubMed 33970760; PubMed 34567070; PubMed 35006499.